The following is an entry in ClinVar:

NM_001378743.1(CYLD):c.1018A>G (p.Thr340Ala)

Gene: CYLD (CYLD lysine 63 deubiquitinase; plus strand). Cytogenetic location: 16q12.1.
Variant type: single nucleotide variant.
Coding change: c.1018A>G on transcript NM_001378743.1 (MANE Select); coding-DNA position 1018, A replaced by G.
Protein change: p.Thr340Ala; replaces threonine 340 with alanine.
Molecular consequence: missense variant. On other transcripts: non-coding transcript variant (1).
Genome position (GRCh38, 1-based): chr16:50,776,274, A>G. VCF-style: chr16-50776274-A-G. GRCh37 (hg19) VCF-style: chr16-50810185-A-G.
Other names: c.1009A>G, p.Thr337Ala (NM_001378745.1, NM_001378746.1, NM_001378747.1 and 9 more transcripts); c.343A>G, p.Thr115Ala (NM_001378754.1, NM_001378755.1); c.1018A>G, p.Thr340Ala (NM_015247.3); short protein forms T115A, T337A, T340A.
Identifiers: ClinVar variation 3608100 (VCV003608100.2).
Genomic context (GRCh38, chr16:50,776,274, plus strand): 5'-GCCTTTATGTCAAGAGGTGTTGGGGACAAAGGTTCATCCAGTCATAATAAACCAAAGGCT[A>G]CAGGTATGGATTAATAGCATATAACCTTTAGTAATTTGCATAATGCCTAACTTGCCATAG-3'
Protein context (NP_001365672.1, residues 330-350): GSSSHNKPKA[Thr340Ala]GSTSDPGNRN

ClinVar aggregate classification (germline): Uncertain significance (1 of 4 stars; one submission).

Submission:

Labcorp Genetics (formerly Invitae), Labcorp
Classification: Uncertain significance. Last evaluated: 2024-09-26. Review status: criteria provided, single submitter. Criteria: Invitae Variant Classification Sherloc (09022015). Collection method: clinical testing. Allele origin: germline.
Comment: This sequence change replaces threonine, which is neutral and polar, with alanine, which is neutral and non-polar, at codon 340 of the CYLD protein (p.Thr340Ala). This variant is present in population databases (rs766929368, gnomAD 0.07%), and has an allele count higher than expected for a pathogenic variant. This variant has not been reported in the literature in individuals affected with CYLD-related conditions. Invitae Evidence Modeling of protein sequence and biophysical properties (such as structural, functional, and spatial information, amino acid conservation, physicochemical variation, residue mobility, and thermodynamic stability) indicates that this missense variant is not expected to disrupt CYLD protein function with a negative predictive value of 80%. In summary, the available evidence is currently insufficient to determine the role of this variant in disease. Therefore, it has been classified as a Variant of Uncertain Significance.